The following is an entry in ClinVar:

ClinVar aggregate classification (germline): Pathogenic (1 of 4 stars; one submission).

Conditions:
Duchenne muscular dystrophy (DMD). Also called: Duchenne Muscular Dystrophy (DMD); MUSCULAR DYSTROPHY, PSEUDOHYPERTROPHIC PROGRESSIVE, DUCHENNE TYPE. Identifiers: Orphanet 98896, MedGen C0013264, MONDO:0010679, OMIM 310200.

Submission:

Labcorp Genetics (formerly Invitae), Labcorp
Classification: Pathogenic for Duchenne muscular dystrophy. Last evaluated: 2019-12-02. Review status: criteria provided, single submitter. Criteria: Invitae Variant Classification Sherloc (09022015). Collection method: clinical testing. Allele origin: germline.
Comment: For these reasons, this variant has been classified as Pathogenic. Sub-genic deletion of exons 48-53 has been determined to be pathogenic (PMID: 19907931,¬†18663755,¬†17854090). Therefore, deletions that fully encompass that region are also expected to be pathogenic. This variant has been reported in two individuals affected with Becker muscular dystrophy (PMID: 14652441). This variant is an in-frame deletion of the genomic region encompassing exons 46-54 of the DMD gene. It preserves the integrity of the reading frame.

Literature cited by the submitters: PubMed 19907931; PubMed 14652441.

NC_000023.11:g.(?_31657980)_(31932237_?)del

Gene: DMD (dystrophin; minus strand). Cytogenetic location: Xp21.1.
Variant type: Deletion.
Identifiers: ClinVar variation 830485 (VCV000830485.5).